The following is an entry in ClinVar:

NM_001166114.2(PNPLA6):c.715-1G>A

Gene: PNPLA6 (patatin like domain 6, lysophospholipase; plus strand). Cytogenetic location: 19p13.2.
Variant type: single nucleotide variant.
Coding change: c.715-1G>A on transcript NM_001166114.2 (MANE Select); the canonical splice acceptor site of the intron before coding-DNA position 715, G replaced by A.
Molecular consequence: splice acceptor variant.
Genome position (GRCh38, 1-based): chr19:7,540,629, G>A. VCF-style: chr19-7540629-G-A. GRCh37 (hg19) VCF-style: chr19-7605515-G-A.
Other names: c.598-1G>A (NM_006702.5, NM_001166112.2, NM_001166113.1); c.742-1G>A (NM_001166111.2).
Identifiers: ClinVar variation 3723410 (VCV003723410.2).
Genomic context (GRCh38, chr19:7,540,629, plus strand): 5'-GGGGCGACATGCCAGTCACCAGGGCGAGGCCACTGAGGGTCCACGGTCTCCTGTGTCTCA[G>A]GACGGGAAGGAGTGTGTGGTGAAGGAAGTGGTTCCTGGGGACAGCGTCAACAGCCTTCTC-3'

ClinVar aggregate classification (germline): Likely pathogenic (1 of 4 stars; one submission).

Conditions:
Hereditary spastic paraplegia 39 (SPG39). Also called: SPASTIC PARAPLEGIA 39, AUTOSOMAL RECESSIVE; Spastic Paraplegia Type 39 (SPG39). Identifiers: Orphanet 139480, MedGen C2677586, MONDO:0012787, OMIM 612020.

Submission:

Labcorp Genetics (formerly Invitae), Labcorp
Classification: Likely pathogenic for Hereditary spastic paraplegia 39. Last evaluated: 2024-10-21. Review status: criteria provided, single submitter. Criteria: Invitae Variant Classification Sherloc (09022015). Collection method: clinical testing. Allele origin: germline.
Comment: This sequence change affects an acceptor splice site in intron 8 of the PNPLA6 gene. It is expected to disrupt RNA splicing. Variants that disrupt the donor or acceptor splice site typically lead to a loss of protein function (PMID: 16199547), and loss-of-function variants in PNPLA6 are known to be pathogenic (PMID: 24355708). This variant is not present in population databases (gnomAD no frequency). This variant has not been reported in the literature in individuals affected with PNPLA6-related conditions. Algorithms developed to predict the effect of sequence changes on RNA splicing suggest that this variant may disrupt the consensus splice site. In summary, the currently available evidence indicates that the variant is pathogenic, but additional data are needed to prove that conclusively. Therefore, this variant has been classified as Likely Pathogenic.

Literature cited by the submitters: PubMed 16199547; PubMed 24355708.